The following is an entry in ClinVar:

ClinVar aggregate classification (germline): Pathogenic (1 of 4 stars; one submission).

Submission:

Labcorp Genetics (formerly Invitae), Labcorp
Classification: Pathogenic. Last evaluated: 2019-10-08. Review status: criteria provided, single submitter. Criteria: Invitae Variant Classification Sherloc (09022015). Collection method: clinical testing. Allele origin: germline.
Comment: For these reasons, this variant has been classified as Pathogenic. Loss-of-function variants in KDM3B are known to be pathogenic (PMID: 30929739). Algorithms developed to predict the effect of sequence changes on RNA splicing suggest that this variant may create or strengthen a splice site, but this prediction has not been confirmed by published transcriptional studies. This variant has not been reported in the literature in individuals with KDM3B-related conditions. This variant is not present in population databases (ExAC no frequency). This sequence change creates a premature translational stop signal (p.Val203Serfs*17) in the KDM3B gene. It is expected to result in an absent or disrupted protein product.

Literature cited by the submitters: PubMed 30929739.

NM_016604.4(KDM3B):c.607del (p.Val203fs)

Gene: KDM3B (lysine demethylase 3B; plus strand). Cytogenetic location: 5q31.2.
Variant type: Deletion.
Coding change: c.607del on transcript NM_016604.4 (MANE Select); coding-DNA position 607, one base deleted (G; older notation c.607delG).
Protein change: p.Val203fs; shifts the reading frame from valine 203.
Molecular consequence: frameshift variant.
Genome position (GRCh38, 1-based): chr5:138,379,610, G deleted; the last of 3 consecutive G bases (chr5:138,379,608-138,379,610); deleting any one gives the same sequence. VCF-style (leftmost placement, unchanged base first): chr5-138379607-AG-A. GRCh37 (hg19) VCF-style: chr5-137715296-AG-A.
Other names: short protein forms V203fs.
Identifiers: ClinVar variation 971547 (VCV000971547.9), dbSNP rs1762078360, ClinGen allele CA1139659080.
Genomic context (GRCh38, chr5:138,379,607, plus strand): 5'-GCCAAAAATACTCAATACTGACTGATCTCCCTTTTAGGTCCCTACAGTGTTCAAGGTCAC[AG>A]GGTCAAAATATATCAGCCAGAGGGGGAAGAAGGGTGGCTCTATGGTGTTGTGAGCCATCA-3'